The following is an entry in ClinVar:

NM_000112.4(SLC26A2):c.*1024T>G

Gene: SLC26A2 (solute carrier family 26 member 2; plus strand). Cytogenetic location: 5q32.
Variant type: single nucleotide variant.
Coding change: c.*1024T>G on transcript NM_000112.4 (MANE Select); 1024 bases downstream of the stop codon, T replaced by G.
Molecular consequence: 3 prime UTR variant.
Genome position (GRCh38, 1-based): chr5:149,982,837, T>G. VCF-style: chr5-149982837-T-G. GRCh37 (hg19) VCF-style: chr5-149362400-T-G.
Identifiers: ClinVar variation 352046 (VCV000352046.5), dbSNP rs8073, ClinGen allele CA10623463.
Genomic context (GRCh38, chr5:149,982,837, plus strand): 5'-TTCAAGTCACCTAAAGCTATTATGCAGGAGGATTTAGAAGTCACATTCATAAAACCCAAG[T>G]GCTATGGGTGTATTATTCATGATAGCTGGCCCACAGGTCATGAATTGAGGAGGAATTTGC-3'

ClinVar aggregate classification (germline): Benign. Review status: criteria provided, single submitter (1 of 4 stars). 5 submissions from 1 submitter: Benign (5). Last evaluated 2018-01-12.

Conditions:
Sulfate transporter-related osteochondrodysplasia. Also called: DTDST-related dysplasias. Identifiers: MedGen CN120497. Disease mechanism: loss of function.
Achondrogenesis, type IB (ACG1B). Also called: Achondrogenesis Type 1B. Identifiers: Orphanet 932, Orphanet 93298, MedGen C0265274, MONDO:0010966, OMIM 600972.
Diastrophic dysplasia (DTD). Also called: Diastrophic dwarfism. Identifiers: Orphanet 628, MedGen C0220726, MONDO:0009107, OMIM 222600.
Multiple epiphyseal dysplasia type 4 (EDM4). Also called: MULTIPLE EPIPHYSEAL DYSPLASIA WITH BILAYERED PATELLAE; MULTIPLE EPIPHYSEAL DYSPLASIA WITH CLUBFOOT; MULTIPLE EPIPHYSEAL DYSPLASIA, AUTOSOMAL RECESSIVE; SLC26A2-Related Multiple Epiphyseal Dysplasia; Multiple Epiphyseal Dysplasia, Recessive. Identifiers: Orphanet 93307, MedGen C1847593, MONDO:0009189, OMIM 226900.
Atelosteogenesis type II (AO2). Also called: NEONATAL OSSEOUS DYSPLASIA I; Neonatal osseous dysplasia 1; SLC26A2-Related Atelosteogenesis. Identifiers: Orphanet 56304, MedGen C1850554, MONDO:0009727, OMIM 256050.

Allele frequency attached by ClinVar (database versions not stated): gnomAD 0.21816 and 0.22371; TOPMed 0.22826; 1000 Genomes Project 0.27396; 1000 Genomes Project 30x 0.27467; gnomAD exomes 1.00000.
gnomAD v4.1: 34,070 of 152,064 alleles (22%); highest among the groups gnomAD compares: Middle Eastern, 34%; 3,904 homozygotes.

Submissions (5):

Illumina Laboratory Services, Illumina
Classification: Benign for Multiple epiphyseal dysplasia type 4. Last evaluated: 2018-01-12. Review status: criteria provided, single submitter. Criteria: ICSL Variant Classification Criteria 13 December 2019. Collection method: clinical testing. Allele origin: germline.
Comment: This variant was observed in the ICSL laboratory as part of a predisposition screen in an ostensibly healthy population. It had not been previously curated by ICSL or reported in the Human Gene Mutation Database (HGMD: prior to June 1st, 2018), and was therefore a candidate for classification through an automated scoring system. Utilizing variant allele frequency, disease prevalence and penetrance estimates, and inheritance mode, an automated score was calculated to assess if this variant is too frequent to cause the disease. Based on the score and internal cut-off values, a variant classified as benign is not then subjected to further curation. The score for this variant resulted in a classification of benign for this disease.

Illumina Laboratory Services, Illumina
Classification: Benign for Achondrogenesis, type IB. Last evaluated: 2018-01-12. Review status: criteria provided, single submitter. Criteria: ICSL Variant Classification Criteria 13 December 2019. Collection method: clinical testing. Allele origin: germline.
Comment: the same text as in the submission from Illumina Laboratory Services, Illumina above.

Illumina Laboratory Services, Illumina
Classification: Benign for Osteochondrodysplasia. Last evaluated: 2018-01-12. Review status: criteria provided, single submitter. Criteria: ICSL Variant Classification Criteria 13 December 2019. Collection method: clinical testing. Allele origin: germline.
Comment: the same text as in the submission from Illumina Laboratory Services, Illumina above.

Illumina Laboratory Services, Illumina
Classification: Benign for Diastrophic dysplasia. Last evaluated: 2018-01-12. Review status: criteria provided, single submitter. Criteria: ICSL Variant Classification Criteria 13 December 2019. Collection method: clinical testing. Allele origin: germline.
Comment: the same text as in the submission from Illumina Laboratory Services, Illumina above.

Illumina Laboratory Services, Illumina
Classification: Benign for Atelosteogenesis type II. Last evaluated: 2018-01-12. Review status: criteria provided, single submitter. Criteria: ICSL Variant Classification Criteria 13 December 2019. Collection method: clinical testing. Allele origin: germline.
Comment: the same text as in the submission from Illumina Laboratory Services, Illumina above.